The following is an entry in ClinVar:

NM_007074.4(CORO1A):c.773C>T (p.Pro258Leu)

Gene: CORO1A (coronin 1A; plus strand). Cytogenetic location: 16p11.2.
Variant type: single nucleotide variant.
Coding change: c.773C>T on transcript NM_007074.4 (MANE Select); coding-DNA position 773, C replaced by T.
Protein change: p.Pro258Leu; replaces proline 258 with leucine.
Molecular consequence: missense variant.
Genome position (GRCh38, 1-based): chr16:30,187,741, C>T. VCF-style: chr16-30187741-C-T. GRCh37 (hg19) VCF-style: chr16-30199062-C-T.
Other names: c.773C>T, p.Pro258Leu (NM_001193333.3); short protein forms P258L.
Identifiers: ClinVar variation 1516928 (VCV001516928.8), dbSNP rs2151063054, ClinGen allele CA395495965.

ClinVar aggregate classification (germline): Uncertain significance (1 of 4 stars; one submission).

Conditions:
Severe combined immunodeficiency due to CORO1A deficiency. Also called: IMMUNODEFICIENCY 8 WITH LYMPHOPROLIFERATION; Immunodeficiency 8. Identifiers: Orphanet 228003, MedGen C3809383, MONDO:0014168, OMIM 615401.

gnomAD v4.1: 6 of 1,611,104 alleles (0.00037%); highest among the groups gnomAD compares: Non-Finnish European, 0.00042%; no homozygotes.

Submission:

Labcorp Genetics (formerly Invitae), Labcorp
Classification: Uncertain significance for Severe combined immunodeficiency due to CORO1A deficiency. Last evaluated: 2025-07-28. Review status: criteria provided, single submitter. Criteria: Invitae Variant Classification Sherloc (09022015). Collection method: clinical testing. Allele origin: germline.
Comment: This sequence change replaces proline, which is neutral and non-polar, with leucine, which is neutral and non-polar, at codon 258 of the CORO1A protein (p.Pro258Leu). This variant is not present in population databases (gnomAD no frequency). This variant has not been reported in the literature in individuals affected with CORO1A-related conditions. ClinVar contains an entry for this variant (Variation ID: 1516928). Invitae Evidence Modeling of protein sequence and biophysical properties (such as structural, functional, and spatial information, amino acid conservation, physicochemical variation, residue mobility, and thermodynamic stability) indicates that this missense variant is expected to disrupt CORO1A protein function with a positive predictive value of 80%. In summary, the available evidence is currently insufficient to determine the role of this variant in disease. Therefore, it has been classified as a Variant of Uncertain Significance.